The following is an entry in ClinVar:

ClinVar aggregate classification (germline): Uncertain significance (1 of 4 stars; one submission).

Conditions:
Hereditary cancer-predisposing syndrome. Also called: Hereditary neoplastic syndrome; Neoplastic Syndromes, Hereditary; Tumor predisposition; Hereditary Cancer Syndrome. Identifiers: Orphanet 140162, MedGen C0027672, MeSH D009386, MONDO:0015356.

Submission:

Ambry Genetics
Classification: Uncertain significance for Hereditary cancer-predisposing syndrome. Last evaluated: 2025-08-27. Review status: criteria provided, single submitter. Criteria: Ambry Variant Classification Scheme 2023. Collection method: clinical testing. Allele origin: germline.
Comment: The p.A541S variant (also known as c.1621G>T), located in coding exon 16 of the MUTYH gene, results from a G to T substitution at nucleotide position 1621. The alanine at codon 541 is replaced by serine, an amino acid with similar properties. This amino acid position is conserved. In addition, this alteration is predicted to be tolerated by in silico analysis. Based on the available evidence, the clinical significance of this variant remains unclear.

NM_001048174.2(MUTYH):c.1537G>T (p.Ala513Ser)

Gene: MUTYH (mutY DNA glycosylase; minus strand). Cytogenetic location: 1p34.1.
Variant type: single nucleotide variant.
Coding change: c.1537G>T on transcript NM_001048174.2 (MANE Select); coding-DNA position 1537, G replaced by T.
Protein change: p.Ala513Ser; replaces alanine 513 with serine.
Molecular consequence: missense variant. On other transcripts: non-coding transcript variant (7).
Genome position (GRCh38, 1-based): chr1:45,329,335, C>A on the plus strand (G>T on the coding strand, the complement: MUTYH is on the minus strand). VCF-style: chr1-45329335-C-A. GRCh37 (hg19) VCF-style: chr1-45795007-C-A.
Other names: c.1540G>T, p.Ala514Ser (NM_001048172.2, NM_001407071.1, NM_001407078.1 and 1 more transcripts); c.1537G>T, p.Ala513Ser (NM_001048173.2, NM_001293195.2, NM_001407070.1 and 6 more transcripts); c.1621G>T, p.Ala541Ser (NM_001128425.2); c.1582G>T, p.Ala528Ser (NM_001293190.2); c.1570G>T, p.Ala524Ser (NM_001293191.2, NM_001407077.1, NM_001407069.1); c.1261G>T, p.Ala421Ser (NM_001293192.2, NM_001293196.2, NM_001407091.1); c.1192G>T, p.Ala398Ser (NM_001350650.2, NM_001350651.2, NM_001407082.1); c.1453G>T, p.Ala485Ser (NM_001407075.1); and 5 more; short protein forms A398S, A541S, A485S, A500S, A520S, A527S, A538S, A499S.
Identifiers: ClinVar variation 4113455 (VCV004113455.1).